The following is an entry in ClinVar:

NM_001165963.4(SCN1A):c.2043+9G>A

Gene: SCN1A (sodium voltage-gated channel alpha subunit 1; minus strand). Cytogenetic location: 2q24.3.
Variant type: single nucleotide variant.
Coding change: c.2043+9G>A on transcript NM_001165963.4 (MANE Select); 9 bases into the intron after coding-DNA position 2043, G replaced by A.
Molecular consequence: intron variant.
Genome position (GRCh38, 1-based): chr2:166,043,660, C>T on the plus strand (G>A on the coding strand, the complement: SCN1A is on the minus strand). VCF-style: chr2-166043660-C-T. GRCh37 (hg19) VCF-style: chr2-166900170-C-T.
Other names: c.2010+42G>A (NM_001353949.2, NM_001353950.2, NM_001353951.2 and 2 more transcripts); c.1959+93G>A (NM_001353958.2, NM_001353957.2, NM_001165964.3); c.2043+9G>A (NM_001202435.3, NM_001353948.2); c.2007+42G>A (NM_001353955.2, NM_001353954.2); c.1956+93G>A (NM_001353960.2); c.-416+42G>A (NM_001353961.2).
Identifiers: ClinVar variation 515581 (VCV000515581.5), dbSNP rs1389330683, ClinGen allele CA537508412.

ClinVar aggregate classification (germline): Likely benign. Review status: criteria provided, multiple submitters, no conflicts (2 of 4 stars). 2 submissions from 2 submitters: Likely benign (2). Last evaluated 2026-02-03.

Conditions:
Early-infantile DEE. Also called: Early infantile epileptic encephalopathy; Ohtahara syndrome; Early infantile epileptic encephalopathy with suppression bursts. Identifiers: Orphanet 1934, MedGen C0393706, MONDO:0800491.

Allele frequency attached by ClinVar (database versions not stated): gnomAD exomes 0.00001 and 0.00002.

Submissions (2):

Labcorp Genetics (formerly Invitae), Labcorp
Classification: Likely benign for Early-infantile DEE. Last evaluated: 2026-02-03. Review status: criteria provided, single submitter. Criteria: Invitae Variant Classification Sherloc (09022015). Collection method: clinical testing. Allele origin: germline.

GeneDx
Classification: Likely benign. Last evaluated: 2018-02-26. Review status: criteria provided, single submitter. Criteria: GeneDx Variant Classification (06012015). Collection method: clinical testing. Allele origin: germline. Affected: yes.
Comment: This variant is considered likely benign or benign based on one or more of the following criteria: it is a conservative change, it occurs at a poorly conserved position in the protein, it is predicted to be benign by multiple in silico algorithms, and/or has population frequency not consistent with disease.